The following is an entry in ClinVar:

ClinVar aggregate classification (germline): Likely benign (1 of 4 stars; one submission).

Allele frequency attached by ClinVar (database versions not stated): gnomAD exomes below 0.00001; ExAC 0.00001.
gnomAD v4.1: 3 of 1,597,358 alleles (0.00019%); highest among the groups gnomAD compares: East Asian, 0.0045%; no homozygotes.

Submission:

CeGaT Center for Human Genetics Tuebingen
Classification: Likely benign. Last evaluated: 2023-01-01. Review status: criteria provided, single submitter. Criteria: CeGaT Center For Human Genetics Tuebingen Variant Classification Criteria Version 2. Collection method: clinical testing. Allele origin: germline. Affected: yes. Observed: 1 variant allele.
Comment: GZF1: BP4, BP7

NM_022482.5(GZF1):c.2133A>G (p.Glu711=)

Gene: GZF1 (GDNF inducible zinc finger protein 1; plus strand). Cytogenetic location: 20p11.21.
Variant type: single nucleotide variant.
Coding change: c.2133A>G on transcript NM_022482.5 (MANE Select); coding-DNA position 2133, A replaced by G.
Protein change: p.Glu711=; no amino-acid change (glutamic acid 711 retained).
Molecular consequence: synonymous variant. On other transcripts: 3 prime UTR variant (1).
Genome position (GRCh38, 1-based): chr20:23,370,438, A>G. VCF-style: chr20-23370438-A-G. GRCh37 (hg19) VCF-style: chr20-23351075-A-G.
Other names: c.2133A>G, p.Glu711= (NM_001317012.2); c.*53A>G (NM_001317019.1).
Identifiers: ClinVar variation 2652238 (VCV002652238.24), dbSNP rs757196806, ClinGen allele CA9788892.